The following is an entry in ClinVar:

NM_003072.5(SMARCA4):c.3856G>C (p.Glu1286Gln)

Gene: SMARCA4 (SWI/SNF related BAF chromatin remodeling complex subunit ATPase 4; plus strand). Cytogenetic location: 19p13.2.
Variant type: single nucleotide variant.
Coding change: c.3856G>C on transcript NM_003072.5 (MANE Select); coding-DNA position 3856, G replaced by C.
Protein change: p.Glu1286Gln; replaces glutamic acid 1286 with glutamine.
Molecular consequence: missense variant. On other transcripts: intron variant (5).
Genome position (GRCh38, 1-based): chr19:11,033,848, G>C. VCF-style: chr19-11033848-G-C. GRCh37 (hg19) VCF-style: chr19-11144524-G-C.
Other names: c.3856G>C, p.Glu1286Gln (NM_001128844.3, NM_001128849.3, NM_001387283.1); c.3775-275G>C (NM_001128847.4, NM_001374457.1, NM_001128845.2 and 2 more transcripts); short protein forms E1286Q.
Identifiers: ClinVar variation 1051666 (VCV001051666.9), dbSNP rs2146667976, ClinGen allele CA404066799.

ClinVar aggregate classification (germline): Uncertain significance (1 of 4 stars; one submission).

Conditions:
Rhabdoid tumor predisposition syndrome 2 (RTPS2). Identifiers: Orphanet 231108, Orphanet 69077, MedGen C2750074, MONDO:0013224, OMIM 613325.

Submission:

Labcorp Genetics (formerly Invitae), Labcorp
Classification: Uncertain significance for Rhabdoid tumor predisposition syndrome 2. Last evaluated: 2023-11-27. Review status: criteria provided, single submitter. Criteria: Invitae Variant Classification Sherloc (09022015). Collection method: clinical testing. Allele origin: germline.
Comment: This sequence change replaces glutamic acid, which is acidic and polar, with glutamine, which is neutral and polar, at codon 1286 of the SMARCA4 protein (p.Glu1286Gln). This variant is not present in population databases (gnomAD no frequency). This variant has not been reported in the literature in individuals affected with SMARCA4-related conditions. ClinVar contains an entry for this variant (Variation ID: 1051666). Advanced modeling of protein sequence and biophysical properties (such as structural, functional, and spatial information, amino acid conservation, physicochemical variation, residue mobility, and thermodynamic stability) has been performed at Invitae for this missense variant, however the output from this modeling did not meet the statistical confidence thresholds required to predict the impact of this variant on SMARCA4 protein function. In summary, the available evidence is currently insufficient to determine the role of this variant in disease. Therefore, it has been classified as a Variant of Uncertain Significance.